The following is an entry in ClinVar:

NM_000271.5(NPC1):c.2669A>G (p.Tyr890Cys)

Gene: NPC1 (NPC intracellular cholesterol transporter 1; minus strand). Cytogenetic location: 18q11.2.
Variant type: single nucleotide variant.
Coding change: c.2669A>G on transcript NM_000271.5 (MANE Select); coding-DNA position 2669, A replaced by G.
Protein change: p.Tyr890Cys; replaces tyrosine 890 with cysteine.
Molecular consequence: missense variant.
Genome position (GRCh38, 1-based): chr18:23,539,937, T>C on the plus strand (A>G on the coding strand, the complement: NPC1 is on the minus strand). VCF-style: chr18-23539937-T-C. GRCh37 (hg19) VCF-style: chr18-21119901-T-C.
Other names: short protein forms Y890C.
Identifiers: ClinVar variation 5003217 (VCV005003217.1).

ClinVar aggregate classification (germline): Uncertain significance (1 of 4 stars; one submission).

Conditions:
Niemann-Pick disease, type C1. Also called: NEUROVISCERAL STORAGE DISEASE WITH VERTICAL SUPRANUCLEAR OPHTHALMOPLEGIA; NIEMANN-PICK DISEASE WITH CHOLESTEROL ESTERIFICATION BLOCK; NIEMANN-PICK DISEASE WITHOUT SPHINGOMYELINASE DEFICIENCY; NIEMANN-PICK DISEASE, CHRONIC NEURONOPATHIC FORM; NIEMANN-PICK DISEASE, VARIANT TYPE C1. Identifiers: Orphanet 646, MedGen C3179455, MONDO:0009757, OMIM 257220.

gnomAD v4.1: 1 of 1,614,136 alleles (0.000062%); highest among the groups gnomAD compares: Non-Finnish European, 0.000085%; no homozygotes.

Submission:

Myriad Genetics, Inc.
Classification: Uncertain significance for Niemann-Pick disease, type C1. Last evaluated: 2025-11-03. Review status: criteria provided, single submitter. Criteria: Myriad Autosomal Dominant, Autosomal Recessive and X-Linked Classification Criteria (2023). Collection method: clinical testing. Allele origin: unknown.
Comment: NM_000271.4(NPC1):c.2669A>G(Y890C) is a missense variant classified as a variant of uncertain significance in the context of Niemann-Pick disease type C1. Y890C has been observed in cases with relevant disease (PMID: 12401890, 19744920). Relevant functional assessments of this variant are not available in the literature. Y890C has not been observed in referenced population frequency databases. In summary, there is insufficient evidence to classify NM_000271.4(NPC1):c.2669A>G(Y890C) as pathogenic or benign. Please note: this variant was assessed in the context of healthy population screening.

Literature cited by the submitters: PubMed 12401890; PubMed 19744920.